The following is an entry in ClinVar:

NM_001134665.3(TRMT10A):c.330T>A (p.Asp110Glu)

Gene: TRMT10A (tRNA methyltransferase 10A; minus strand). Cytogenetic location: 4q23.
Variant type: single nucleotide variant.
Coding change: c.330T>A on transcript NM_001134665.3 (MANE Select); coding-DNA position 330, T replaced by A.
Protein change: p.Asp110Glu; replaces aspartic acid 110 with glutamic acid.
Molecular consequence: missense variant.
Genome position (GRCh38, 1-based): chr4:99,558,067, A>T on the plus strand (T>A on the coding strand, the complement: TRMT10A is on the minus strand). VCF-style: chr4-99558067-A-T. GRCh37 (hg19) VCF-style: chr4-100479224-A-T.
Other names: c.330T>A, p.Asp110Glu (NM_001134666.3, NM_001375880.1, NM_001375881.1 and 2 more transcripts); short protein forms D110E.
Identifiers: ClinVar variation 2087814 (VCV002087814.4), dbSNP rs1442354596, ClinGen allele CA357511863.

ClinVar aggregate classification (germline): Uncertain significance (1 of 4 stars; one submission).

Allele frequency attached by ClinVar (database versions not stated): gnomAD 0.00001; TOPMed 0.00001.

Submission:

Labcorp Genetics (formerly Invitae), Labcorp
Classification: Uncertain significance. Last evaluated: 2022-02-04. Review status: criteria provided, single submitter. Criteria: Invitae Variant Classification Sherloc (09022015). Collection method: clinical testing. Allele origin: germline.
Comment: This variant is not present in population databases (gnomAD no frequency). This sequence change replaces aspartic acid, which is acidic and polar, with glutamic acid, which is acidic and polar, at codon 110 of the TRMT10A protein (p.Asp110Glu). This variant has not been reported in the literature in individuals affected with TRMT10A-related conditions. In summary, the available evidence is currently insufficient to determine the role of this variant in disease. Therefore, it has been classified as a Variant of Uncertain Significance. Algorithms developed to predict the effect of missense changes on protein structure and function are either unavailable or do not agree on the potential impact of this missense change (SIFT: "Deleterious"; PolyPhen-2: "Benign"; Align-GVGD: "Class C35").